The following is an entry in ClinVar:

ClinVar aggregate classification (germline): Pathogenic/Likely pathogenic. Review status: criteria provided, multiple submitters, no conflicts (2 of 4 stars). 2 submissions from 2 submitters: Pathogenic (1); Likely pathogenic (1). Last evaluated 2026-04-19.

Conditions:
Recessive dystrophic epidermolysis bullosa (RDEB). Also called: Epidermolysis Bullosa Distrophica Autosomal Recessive (RDEB); severe generalized recessive dystrophic epidermolysis bullosa; epidermolysis bullosa dystrophica, autosomal recessive; DYSTROPHIC EPIDERMOLYSIS BULLOSA, AUTOSOMAL RECESSIVE; EPIDERMOLYSIS BULLOSA DYSTROPHICA, HALLOPEAU-SIEMENS TYPE; Hallopeau-Siemens Disease. Identifiers: Orphanet 79408, Orphanet 79409, MedGen C0079474, MONDO:0009179, OMIM 226600.
Epidermolysis bullosa dystrophica. Also called: Dystrophic epidermolysis bullosa, Hallopeau-Siemens type (formerly); Dystrophic epidermolysis bullosa. Identifiers: Orphanet 303, MedGen C0079294, MONDO:0006543.

Submissions (2):

Myriad Genetics, Inc.
Classification: Pathogenic for Recessive dystrophic epidermolysis bullosa. Last evaluated: 2026-04-19. Review status: criteria provided, single submitter. Criteria: Myriad Autosomal Dominant, Autosomal Recessive and X-Linked Classification Criteria (2023). Collection method: clinical testing. Allele origin: unknown.
Comment: NM_000094.3(COL7A1):c.3697_3698delCT(L1233Vfs*126) is expected to be pathogenic in the context of dystrophic epidermolysis bullosa. This variant is predicted to lead to an abnormal or absent protein product due to the creation of a premature termination codon in COL7A1, a gene where loss-of-function variants are known to be pathogenic. Please note: this variant was assessed in the context of healthy population screening.

Natera, Inc.
Classification: Likely pathogenic for Dystrophic epidermolysis bullosa. Last evaluated: 2025-09-07. Review status: criteria provided, single submitter. Criteria: Natera Variant Classification Schema (03/2026). Collection method: clinical testing. Allele origin: germline.
Comment: The c.3697_3698del variant in COL7A1 is a frameshift variant predicted to shift the reading frame beginning at codon 1233 and leads to a stop codon 126 codons downstream. This variant is expected to result in nonsense mediated decay, truncation, or a dysfunctional protein product. This variant is rare in the general population with a frequency below the threshold expected for the associated phenotype(s). Given the available evidence, this variant is classified as Likely Pathogenic.

NM_000094.4(COL7A1):c.3697_3698del (p.Leu1233fs)

Gene: COL7A1 (collagen type VII alpha 1 chain; minus strand). Cytogenetic location: 3p21.31.
Variant type: Deletion.
Coding change: c.3697_3698del on transcript NM_000094.4 (MANE Select); coding-DNA positions 3697 to 3698, 2 bases deleted (CT; older notation c.3697_3698delCT).
Protein change: p.Leu1233fs; shifts the reading frame from leucine 1233.
Molecular consequence: frameshift variant.
Genome position (GRCh38, 1-based): chr3:48,586,099-48,586,100, AG deleted on the plus strand (CT on the coding strand, the reverse complement: COL7A1 is on the minus strand). VCF-style (leftmost placement, unchanged base first): chr3-48586098-CAG-C. GRCh37 (hg19) VCF-style: chr3-48623531-CAG-C.
Other names: c.3697_3698delCT, p.Leu1233Valfs (NM_000094.3); short protein forms L1233fs.
Identifiers: ClinVar variation 4817369 (VCV004817369.2).